The following is an entry in ClinVar:

NM_001330078.2(NRXN1):c.1833T>C (p.Asp611=)

Gene: NRXN1 (neurexin 1; minus strand). Cytogenetic location: 2p16.3.
Variant type: single nucleotide variant.
Coding change: c.1833T>C on transcript NM_001330078.2 (MANE Select); coding-DNA position 1833, T replaced by C.
Protein change: p.Asp611=; no amino-acid change (aspartic acid 611 retained).
Molecular consequence: synonymous variant.
Genome position (GRCh38, 1-based): chr2:50,538,563, A>G on the plus strand (T>C on the coding strand, the complement: NRXN1 is on the minus strand). VCF-style: chr2-50538563-A-G. GRCh37 (hg19) VCF-style: chr2-50765701-A-G.
Other names: p.D651D:GAT>GAC; c.1953T>C, p.Asp651= (NM_001135659.3); c.1809T>C, p.Asp603= (NM_001330077.2, NM_001330082.2, NM_001330095.2); c.1794T>C, p.Asp598= (NM_001330083.2, NM_001330084.2); c.1833T>C, p.Asp611= (NM_001330085.2, NM_001330086.2, NM_004801.6); c.1749T>C, p.Asp583= (NM_001330087.2, NM_001330096.2); c.1779T>C, p.Asp593= (NM_001330088.2); c.1830T>C, p.Asp610= (NM_001330093.2); and 1 more.
Identifiers: ClinVar variation 206201 (VCV000206201.12), dbSNP rs190377845, ClinGen allele CA316054.

ClinVar aggregate classification (germline): Benign. Review status: criteria provided, multiple submitters, no conflicts (2 of 4 stars). 2 submissions from 2 submitters: Benign (2). Last evaluated 2025-08-31.

Conditions:
Pitt-Hopkins-like syndrome 2 (PTHSL2). Identifiers: Orphanet 221150, Orphanet 600663, MedGen C3280479, MONDO:0013690, OMIM 614325.

Allele frequency attached by ClinVar (database versions not stated): gnomAD exomes 0.00004 and 0.00027; gnomAD 0.00006; TOPMed 0.00011; 1000 Genomes Project 30x 0.00016; 1000 Genomes Project 0.00020; ExAC 0.00023.
gnomAD v4.1: 70 of 1,570,618 alleles (0.0045%); highest among the groups gnomAD compares: East Asian, 0.15%; no homozygotes.

Submissions (2):

Labcorp Genetics (formerly Invitae), Labcorp
Classification: Benign for Pitt-Hopkins-like syndrome 2. Last evaluated: 2025-08-31. Review status: criteria provided, single submitter. Criteria: Invitae Variant Classification Sherloc (09022015). Collection method: clinical testing. Allele origin: germline.

GeneDx
Classification: Benign. Last evaluated: 2014-07-25. Review status: criteria provided, single submitter. Criteria: GeneDx Variant Classification (06012015). Collection method: clinical testing. Allele origin: germline. Affected: yes.
Comment: This variant is considered likely benign or benign based on one or more of the following criteria: it is a conservative change, it occurs at a poorly conserved position in the protein, it is predicted to be benign by multiple in silico algorithms, and/or has population frequency not consistent with disease.